The following is an entry in ClinVar:

NM_001288705.3(CSF1R):c.1040C>T (p.Pro347Leu)

Gene: CSF1R (colony stimulating factor 1 receptor; minus strand). Cytogenetic location: 5q32.
Variant type: single nucleotide variant.
Coding change: c.1040C>T on transcript NM_001288705.3 (MANE Select); coding-DNA position 1040, C replaced by T.
Protein change: p.Pro347Leu; replaces proline 347 with leucine.
Molecular consequence: missense variant. On other transcripts: non-coding transcript variant (2).
Genome position (GRCh38, 1-based): chr5:150,073,343, G>A on the plus strand (C>T on the coding strand, the complement: CSF1R is on the minus strand). VCF-style: chr5-150073343-G-A. GRCh37 (hg19) VCF-style: chr5-149452906-G-A.
Other names: c.1040C>T, p.Pro347Leu (NM_001349736.2, NM_001375320.1, NM_005211.4); c.596C>T, p.Pro199Leu (NM_001375321.1); short protein forms P199L, P347L.
Identifiers: ClinVar variation 2795626 (VCV002795626.3), dbSNP rs2481020763, ClinGen allele CA361724501.

ClinVar aggregate classification (germline): Uncertain significance (1 of 4 stars; one submission).

gnomAD v4.1: 1 of 1,614,010 alleles (0.000062%); no homozygotes.

Submission:

Labcorp Genetics (formerly Invitae), Labcorp
Classification: Uncertain significance. Last evaluated: 2023-10-06. Review status: criteria provided, single submitter. Criteria: Invitae Variant Classification Sherloc (09022015). Collection method: clinical testing. Allele origin: germline.
Comment: This sequence change replaces proline, which is neutral and non-polar, with leucine, which is neutral and non-polar, at codon 347 of the CSF1R protein (p.Pro347Leu). This variant is not present in population databases (gnomAD no frequency). This variant has not been reported in the literature in individuals affected with CSF1R-related conditions. Advanced modeling of protein sequence and biophysical properties (such as structural, functional, and spatial information, amino acid conservation, physicochemical variation, residue mobility, and thermodynamic stability) performed at Invitae indicates that this missense variant is not expected to disrupt CSF1R protein function. In summary, the available evidence is currently insufficient to determine the role of this variant in disease. Therefore, it has been classified as a Variant of Uncertain Significance.